The following is an entry in ClinVar:

ClinVar aggregate classification (germline): Uncertain significance. Review status: criteria provided, multiple submitters, no conflicts (2 of 4 stars). 3 submissions from 3 submitters: Uncertain significance (3). Last evaluated 2023-04-11.

Conditions:
Deficiency of hydroxymethylglutaryl-CoA lyase (HMGCLD). Also called: HMGCL DEFICIENCY; HYDROXYMETHYLGLUTARIC ACIDURIA; Defect in leucine metabolism; 3-hydroxy-3-methylglutaric aciduria; HMG-CoA LYASE DEFICIENCY. Identifiers: Orphanet 20, MedGen C1533587, MONDO:0009520, OMIM 246450.

Allele frequency attached by ClinVar (database versions not stated): TOPMed below 0.00001; gnomAD 0.00001; gnomAD exomes 0.00001; ExAC 0.00002.
gnomAD v4.1: 1 of 1,613,904 alleles (0.000062%); highest among the groups gnomAD compares: Non-Finnish European, 0.000085%; no homozygotes.

Submissions (3):

Genome-Nilou Lab
Classification: Uncertain significance for Deficiency of hydroxymethylglutaryl-CoA lyase. Last evaluated: 2023-04-11. Review status: criteria provided, single submitter. Criteria: ACMG Guidelines, 2015. Collection method: clinical testing. Allele origin: germline. Affected: no.

GeneDx
Classification: Uncertain significance. Last evaluated: 2021-07-01. Review status: criteria provided, single submitter. Criteria: GeneDx Variant Classification Process June 2021. Collection method: clinical testing. Allele origin: germline. Affected: yes.

Labcorp Genetics (formerly Invitae), Labcorp
Classification: Uncertain significance for Deficiency of hydroxymethylglutaryl-CoA lyase. Last evaluated: 2020-12-02. Review status: criteria provided, single submitter. Criteria: Invitae Variant Classification Sherloc (09022015). Collection method: clinical testing. Allele origin: germline.
Comment: In summary, the available evidence is currently insufficient to determine the role of this variant in disease. Therefore, it has been classified as a Variant of Uncertain Significance. Algorithms developed to predict the effect of missense changes on protein structure and function (SIFT, PolyPhen-2, Align-GVGD) all suggest that this variant is likely to be disruptive, but these predictions have not been confirmed by published functional studies and their clinical significance is uncertain. This variant has not been reported in the literature in individuals with HMGCL-related conditions. This variant is present in population databases (rs747529727, ExAC 0.003%). This sequence change replaces glycine with arginine at codon 178 of the HMGCL protein (p.Gly178Arg). The glycine residue is highly conserved and there is a moderate physicochemical difference between glycine and arginine.

NM_000191.3(HMGCL):c.532G>A (p.Gly178Arg)

Gene: HMGCL (3-hydroxy-3-methylglutaryl-CoA lyase; minus strand). Cytogenetic location: 1p36.11.
Variant type: single nucleotide variant.
Coding change: c.532G>A on transcript NM_000191.3 (MANE Select); coding-DNA position 532, G replaced by A.
Protein change: p.Gly178Arg; replaces glycine 178 with arginine.
Molecular consequence: missense variant. On other transcripts: intron variant (1).
Genome position (GRCh38, 1-based): chr1:23,810,765, C>T on the plus strand (G>A on the coding strand, the complement: HMGCL is on the minus strand). VCF-style: chr1-23810765-C-T. GRCh37 (hg19) VCF-style: chr1-24137255-C-T.
Other names: c.349-2442G>A (NM_001166059.2); short protein forms G178R.
Identifiers: ClinVar variation 1331213 (VCV001331213.10), dbSNP rs747529727, ClinGen allele CA686061.